The following is an entry in ClinVar:

NM_001113491.2(SEPTIN9):c.1721A>G (p.Asn574Ser)

Gene: SEPTIN9 (septin 9; plus strand). Cytogenetic location: 17q25.3.
Variant type: single nucleotide variant.
Coding change: c.1721A>G on transcript NM_001113491.2 (MANE Select); coding-DNA position 1721, A replaced by G.
Protein change: p.Asn574Ser; replaces asparagine 574 with serine.
Molecular consequence: missense variant.
Genome position (GRCh38, 1-based): chr17:77,498,618, A>G. VCF-style: chr17-77498618-A-G. GRCh37 (hg19) VCF-style: chr17-75494700-A-G.
Other names: c.1667A>G (NM_006640.4); c.1229A>G, p.Asn410Ser (NM_001113492.2, NM_001113494.1); c.1700A>G, p.Asn567Ser (NM_001113493.2); c.968A>G, p.Asn323Ser (NM_001113495.2, NM_001113496.2, NM_001293697.2 and 1 more transcripts); c.1664A>G, p.Asn555Ser (NM_001293695.2); c.1049A>G, p.Asn350Ser (NM_001293696.2); c.1667A>G, p.Asn556Ser (NM_006640.5); short protein forms N323S, N350S, N410S, N555S, N556S, N567S, N574S.
Identifiers: ClinVar variation 2445544 (VCV002445544.5), dbSNP rs1353313676, ClinGen allele CA401205339.

ClinVar aggregate classification (germline): Uncertain significance. Review status: criteria provided, multiple submitters, no conflicts (2 of 4 stars). 2 submissions from 2 submitters: Uncertain significance (2). Last evaluated 2023-12-17.

Conditions:
Inborn genetic diseases. Identifiers: MedGen C0950123, MeSH D030342.

Allele frequency attached by ClinVar (database versions not stated): gnomAD exomes below 0.00001.

Submissions (2):

Ambry Genetics
Classification: Uncertain significance for Inborn genetic diseases. Last evaluated: 2023-12-17. Review status: criteria provided, single submitter. Criteria: Ambry Variant Classification Scheme 2023. Collection method: clinical testing. Allele origin: germline.

Labcorp Genetics (formerly Invitae), Labcorp
Classification: Uncertain significance. Last evaluated: 2022-07-19. Review status: criteria provided, single submitter. Criteria: Invitae Variant Classification Sherloc (09022015). Collection method: clinical testing. Allele origin: germline.
Comment: In summary, the available evidence is currently insufficient to determine the role of this variant in disease. Therefore, it has been classified as a Variant of Uncertain Significance. Algorithms developed to predict the effect of missense changes on protein structure and function are either unavailable or do not agree on the potential impact of this missense change (SIFT: "Tolerated"; PolyPhen-2: "Possibly Damaging"; Align-GVGD: "Class C0"). This variant has not been reported in the literature in individuals affected with SEPT9-related conditions. This variant is present in population databases (no rsID available, gnomAD 0.002%). This sequence change replaces asparagine, which is neutral and polar, with serine, which is neutral and polar, at codon 556 of the SEPT9 protein (p.Asn556Ser).